The following is an entry in ClinVar:

NM_004329.3(BMPR1A):c.1119dup (p.Gly374fs)

Gene: BMPR1A (bone morphogenetic protein receptor type 1A; plus strand). Cytogenetic location: 10q23.2.
Variant type: Duplication.
Coding change: c.1119dup on transcript NM_004329.3 (MANE Select); coding-DNA position 1119, one base duplicated (T; older notation c.1119dupT).
Protein change: p.Gly374fs; shifts the reading frame from glycine 374.
Molecular consequence: frameshift variant.
Genome position (GRCh38, 1-based): chr10:86,919,422, T duplicated. VCF-style (leftmost placement, unchanged base first): chr10-86919421-A-AT. GRCh37 (hg19) VCF-style: chr10-88679178-A-AT.
Other names: short protein forms G374fs.
Identifiers: ClinVar variation 1072349 (VCV001072349.7), dbSNP rs2133593569, ClinGen allele CA2499220429.

ClinVar aggregate classification (germline): Pathogenic (1 of 4 stars; one submission).

Conditions:
Juvenile polyposis syndrome (JPS). Identifiers: Orphanet 2929, MedGen C0345893, MONDO:0017380, OMIM 174900.

Submission:

Labcorp Genetics (formerly Invitae), Labcorp
Classification: Pathogenic for Juvenile polyposis syndrome. Last evaluated: 2020-08-14. Review status: criteria provided, single submitter. Criteria: Invitae Variant Classification Sherloc (09022015). Collection method: clinical testing. Allele origin: germline.
Comment: For these reasons, this variant has been classified as Pathogenic. Loss-of-function variants in BMPR1A are known to be pathogenic (PMID: 11536076, 12417513). This variant has not been reported in the literature in individuals with BMPR1A-related conditions. This variant is not present in population databases (ExAC no frequency). This sequence change creates a premature translational stop signal (p.Gly374Trpfs*7) in the BMPR1A gene. It is expected to result in an absent or disrupted protein product.

Literature cited by the submitters: PubMed 11536076; PubMed 12417513.